The following is an entry in ClinVar:

ClinVar aggregate classification (germline): Uncertain significance (1 of 4 stars; one submission).

Allele frequency attached by ClinVar (database versions not stated): gnomAD exomes 0.00001 and below 0.00001; TOPMed 0.00001; ExAC 0.00002; gnomAD 0.00001.
gnomAD v4.1: 9 of 1,614,046 alleles (0.00056%); highest among the groups gnomAD compares: African/African-American, 0.004%; no homozygotes.

Submission:

Labcorp Genetics (formerly Invitae), Labcorp
Classification: Uncertain significance. Last evaluated: 2025-04-16. Review status: criteria provided, single submitter. Criteria: Invitae Variant Classification Sherloc (09022015). Collection method: clinical testing. Allele origin: germline.
Comment: This sequence change replaces arginine, which is basic and polar, with cysteine, which is neutral and slightly polar, at codon 546 of the HK1 protein (p.Arg546Cys). This variant is present in population databases (rs753390525, gnomAD 0.003%). This variant has not been reported in the literature in individuals affected with HK1-related conditions. ClinVar contains an entry for this variant (Variation ID: 1492485). Invitae Evidence Modeling of protein sequence and biophysical properties (such as structural, functional, and spatial information, amino acid conservation, physicochemical variation, residue mobility, and thermodynamic stability) indicates that this missense variant is not expected to disrupt HK1 protein function with a negative predictive value of 80%. In summary, the available evidence is currently insufficient to determine the role of this variant in disease. Therefore, it has been classified as a Variant of Uncertain Significance.

NM_000188.3(HK1):c.1636C>T (p.Arg546Cys)

Gene: HK1 (hexokinase 1; plus strand). Cytogenetic location: 10q22.1.
Variant type: single nucleotide variant.
Coding change: c.1636C>T on transcript NM_000188.3 (MANE Select); coding-DNA position 1636, C replaced by T.
Protein change: p.Arg546Cys; replaces arginine 546 with cysteine.
Molecular consequence: missense variant.
Genome position (GRCh38, 1-based): chr10:69,384,398, C>T. VCF-style: chr10-69384398-C-T. GRCh37 (hg19) VCF-style: chr10-71144154-C-T.
Other names: c.1648C>T, p.Arg550Cys (NM_001322364.2, NM_001358263.1, NM_033497.3 and 1 more transcripts); c.1741C>T, p.Arg581Cys (NM_001322365.2); c.1552C>T, p.Arg518Cys (NM_001322366.1); c.1540C>T, p.Arg514Cys (NM_001322367.1); c.1633C>T, p.Arg545Cys (NM_033496.3); c.1600C>T, p.Arg534Cys (NM_033500.2); short protein forms R518C, R550C, R581C, R546C, R534C, R545C, R514C.
Identifiers: ClinVar variation 1492485 (VCV001492485.6), dbSNP rs753390525, ClinGen allele CA5532648.
Genomic context (GRCh38, chr10:69,384,398, plus strand): 5'-GGTGACTTCTTGGCCCTGGATCTTGGAGGAACCAATTTCCGTGTGCTGCTGGTGAAAATC[C>T]GTAGTGGGAAAAAGAGAACGGTGGAAATGCACAACAAGATCTACGCCATTCCTATTGAAA-3'
Protein context (NP_000179.2, residues 536-556): TNFRVLLVKI[Arg546Cys]SGKKRTVEMH